The following is an entry in ClinVar:

ClinVar aggregate classification (germline): Uncertain significance. Review status: criteria provided, multiple submitters, no conflicts (2 of 4 stars). 2 submissions from 2 submitters: Uncertain significance (2). Last evaluated 2024-04-29.

Conditions:
Infantile nephronophthisis (NPHP2). Also called: Nephronophthisis 2; Nephronophthisis 2, infantile. Identifiers: Orphanet 655, Orphanet 93591, MedGen C1865872, MONDO:0011190, OMIM 602088.
Nephronophthisis. Also called: Juvenile Nephronophthisis. Identifiers: Orphanet 655, MedGen C0687120, MONDO:0019005, HP:0000090.

Allele frequency attached by ClinVar (database versions not stated): gnomAD 0.00001; TOPMed 0.00002.
gnomAD v4.1: 1 of 1,613,896 alleles (0.000062%); highest among the groups gnomAD compares: African/African-American, 0.0013%; no homozygotes.

Submissions (2):

Fulgent Genetics
Classification: Uncertain significance for Infantile nephronophthisis. Last evaluated: 2024-04-29. Review status: criteria provided, single submitter. Criteria: ACMG Guidelines, 2015. Collection method: clinical testing. Allele origin: germline.

Labcorp Genetics (formerly Invitae), Labcorp
Classification: Uncertain significance for Nephronophthisis. Last evaluated: 2020-08-26. Review status: criteria provided, single submitter. Criteria: Invitae Variant Classification Sherloc (09022015). Collection method: clinical testing. Allele origin: germline.
Comment: In summary, the available evidence is currently insufficient to determine the role of this variant in disease. Therefore, it has been classified as a Variant of Uncertain Significance. Algorithms developed to predict the effect of missense changes on protein structure and function (SIFT, PolyPhen-2, Align-GVGD) all suggest that this variant is likely to be disruptive, but these predictions have not been confirmed by published functional studies and their clinical significance is uncertain. This variant has not been reported in the literature in individuals with INVS-related conditions. ClinVar contains an entry for this variant (Variation ID: 240909). This variant is not present in population databases (ExAC no frequency). This sequence change replaces leucine with tryptophan at codon 460 of the INVS protein (p.Leu460Trp). The leucine residue is highly conserved and there is a small physicochemical difference between leucine and tryptophan.

NM_014425.5(INVS):c.1379T>G (p.Leu460Trp)

Gene: INVS (inversin; plus strand). Cytogenetic location: 9q31.1.
Variant type: single nucleotide variant.
Coding change: c.1379T>G on transcript NM_014425.5 (MANE Select); coding-DNA position 1379, T replaced by G.
Protein change: p.Leu460Trp; replaces leucine 460 with tryptophan.
Molecular consequence: missense variant. On other transcripts: non-coding transcript variant (1).
Genome position (GRCh38, 1-based): chr9:100,253,051, T>G. VCF-style: chr9-100253051-T-G. GRCh37 (hg19) VCF-style: chr9-103015333-T-G.
Other names: c.401T>G, p.Leu134Trp (NM_001318382.2); c.1091T>G, p.Leu364Trp (NM_001318381.2); short protein forms L460W, L134W, L364W.
Identifiers: ClinVar variation 240909 (VCV000240909.11), dbSNP rs878854980, ClinGen allele CA10582610.
Genomic context (GRCh38, chr9:100,253,051, plus strand): 5'-AGATATTAATAGAAAATAAGATCAATCCAAATGTCCAGGATTATGCAGGAAGAACCCCTT[T>G]GCAGTGTGCAGCATATGGAGGCTATATCAACTGCATGGCAGTTCTCATGGAAAACAATGC-3'
Protein context (NP_055240.2, residues 450-470): NVQDYAGRTP[Leu460Trp]QCAAYGGYIN